The following is an entry in ClinVar:

ClinVar aggregate classification (germline): Uncertain significance. Review status: criteria provided, multiple submitters, no conflicts (2 of 4 stars). 3 submissions from 3 submitters: Uncertain significance (3). Last evaluated 2026-01-06.

gnomAD v4.1: 158 of 1,577,016 alleles (0.01%); highest among the groups gnomAD compares: Non-Finnish European, 0.013%; no homozygotes.

Submissions (3):

Women's Health and Genetics/Laboratory Corporation of America, LabCorp
Classification: Uncertain significance. Last evaluated: 2026-01-06. Review status: criteria provided, single submitter. Criteria: LabCorp Variant Classification Summary - May 2015. Collection method: clinical testing. Allele origin: germline.
Comment: Variant summary: DGAT2 c.44A>T (p.Glu15Val) results in a non-conservative amino acid change in the encoded protein sequence. Algorithms developed to predict the effect of missense changes on protein structure and function are either unavailable or do not agree on the potential impact of this missense change. The variant allele was found at a frequency of 3.8e-05 in 208656 control chromosomes. The available data on variant occurrences in the general population are insufficient to allow any conclusion about variant significance. c.44A>T has been observed in an individual affected with a suspected genetic distal motor neuropathy (Esteller_2023). This report does not provide unequivocal conclusions about association of the variant with autosomal dominant charcot-marie-tooth disease type 2 due to DGAT2 mutation. To our knowledge, no experimental evidence demonstrating an impact on protein function has been reported. The following publication has been ascertained in the context of this evaluation (PMID: 37704504). ClinVar contains an entry for this variant (Variation ID: 4011056). Based on the evidence outlined above, the variant was classified as uncertain significance.

Mayo Clinic Laboratories, Mayo Clinic
Classification: Uncertain significance. Last evaluated: 2025-07-23. Review status: criteria provided, single submitter. Criteria: ACMG Guidelines, 2015. Collection method: clinical testing. Allele origin: germline. Observed: 1 variant allele.
Comment: BP4_moderate

Ambry Genetics
Classification: Uncertain significance. Last evaluated: 2025-04-01. Review status: criteria provided, single submitter. Criteria: Ambry Variant Classification Scheme 2023. Collection method: clinical testing. Allele origin: germline.

Literature cited by the submitters: PubMed 37704504 (cited by Women's Health and Genetics/Laboratory Corporation of America, LabCorp).

NM_032564.5(DGAT2):c.44A>T (p.Glu15Val)

Genes: DGAT2 (diacylglycerol O-acyltransferase 2; plus strand), LOC130006439 (ATAC-STARR-seq lymphoblastoid silent region 3775; plus strand). Cytogenetic location: 11q13.5.
Variant type: single nucleotide variant.
Coding change: c.44A>T on transcript NM_032564.5 (MANE Select); coding-DNA position 44, A replaced by T.
Protein change: p.Glu15Val; replaces glutamic acid 15 with valine.
Molecular consequence: missense variant.
Genome position (GRCh38, 1-based): chr11:75,769,035, A>T. VCF-style: chr11-75769035-A-T. GRCh37 (hg19) VCF-style: chr11-75480080-A-T.
Other names: p.Glu15Val; c.44A>T, p.Glu15Val (NM_001253891.2); short protein forms E15V.
Identifiers: ClinVar variation 4011056 (VCV004011056.3).